The following is an entry in ClinVar:

NM_000209.4(PDX1):c.378A>C (p.Lys126Asn)

Gene: PDX1 (pancreatic and duodenal homeobox 1; plus strand). Cytogenetic location: 13q12.2.
Variant type: single nucleotide variant.
Coding change: c.378A>C on transcript NM_000209.4 (MANE Select); coding-DNA position 378, A replaced by C.
Protein change: p.Lys126Asn; replaces lysine 126 with asparagine.
Molecular consequence: missense variant.
Genome position (GRCh38, 1-based): chr13:27,920,516, A>C. VCF-style: chr13-27920516-A-C. GRCh37 (hg19) VCF-style: chr13-28494653-A-C.
Other names: short protein forms K126N.
Identifiers: ClinVar variation 2803211 (VCV002803211.3), dbSNP rs762584321, ClinGen allele CA387644985.

ClinVar aggregate classification (germline): Uncertain significance (1 of 4 stars; one submission).

Allele frequency attached by ClinVar (database versions not stated): gnomAD 0.00001.
gnomAD v4.1: 16 of 1,612,744 alleles (0.00099%); highest among the groups gnomAD compares: African/African-American, 0.0013%; no homozygotes.

Submission:

Labcorp Genetics (formerly Invitae), Labcorp
Classification: Uncertain significance. Last evaluated: 2023-04-14. Review status: criteria provided, single submitter. Criteria: Invitae Variant Classification Sherloc (09022015). Collection method: clinical testing. Allele origin: germline.
Comment: In summary, the available evidence is currently insufficient to determine the role of this variant in disease. Therefore, it has been classified as a Variant of Uncertain Significance. Advanced modeling of protein sequence and biophysical properties (such as structural, functional, and spatial information, amino acid conservation, physicochemical variation, residue mobility, and thermodynamic stability) has been performed at Invitae for this missense variant, however the output from this modeling did not meet the statistical confidence thresholds required to predict the impact of this variant on PDX1 protein function. This variant has not been reported in the literature in individuals affected with PDX1-related conditions. This variant is not present in population databases (gnomAD no frequency). This sequence change replaces lysine, which is basic and polar, with asparagine, which is neutral and polar, at codon 126 of the PDX1 protein (p.Lys126Asn).